The following is an entry in ClinVar:

NM_201253.3(CRB1):c.1831del (p.Ser611fs)

Gene: CRB1 (crumbs cell polarity complex component 1; plus strand). Cytogenetic location: 1q31.3.
Variant type: Deletion.
Coding change: c.1831del on transcript NM_201253.3 (MANE Select); coding-DNA position 1831, one base deleted (T; older notation c.1831delT).
Protein change: p.Ser611fs; shifts the reading frame from serine 611.
Molecular consequence: frameshift variant. On other transcripts: non-coding transcript variant (1).
Genome position (GRCh38, 1-based): chr1:197,421,659, T deleted. VCF-style (leftmost placement, unchanged base first): chr1-197421658-CT-C. GRCh37 (hg19) VCF-style: chr1-197390788-CT-C.
Other names: c.1495del, p.Ser499fs (NM_001193640.2); c.1624del, p.Ser542fs (NM_001257965.2); c.1831del, p.Ser611fs (NM_001257966.2); short protein forms S499fs, S611fs, S542fs.
Identifiers: ClinVar variation 1395608 (VCV001395608.7), dbSNP rs2125471098, ClinGen allele CA2573131440.

ClinVar aggregate classification (germline): Pathogenic/Likely pathogenic. Review status: criteria provided, multiple submitters, no conflicts (2 of 4 stars). 2 submissions from 2 submitters: Pathogenic (1); Likely pathogenic (1). Last evaluated 2023-03-20.

Conditions:
Retinitis pigmentosa 12 (RP12). Also called: RP WITH OR WITHOUT PRESERVED PARAARTERIOLE RETINAL PIGMENT EPITHELIUM; RETINITIS PIGMENTOSA WITH OR WITHOUT PARAARTERIOLAR PRESERVATION OF RETINAL PIGMENT EPITHELIUM; RP WITH OR WITHOUT PPRPE. Identifiers: Orphanet 791, MedGen C1838647, MONDO:0010818, OMIM 600105.
Leber congenital amaurosis 8 (LCA8). Identifiers: Orphanet 65, MedGen C3151202, MONDO:0013453, OMIM 613835.

Submissions (2):

Baylor Genetics
Classification: Likely pathogenic for Leber congenital amaurosis 8. Last evaluated: 2023-03-20. Review status: criteria provided, single submitter. Criteria: ACMG Guidelines, 2015. Collection method: clinical testing. Allele origin: unknown.

Labcorp Genetics (formerly Invitae), Labcorp
Classification: Pathogenic for Leber congenital amaurosis 8; Retinitis pigmentosa 12. Last evaluated: 2021-07-02. Review status: criteria provided, single submitter. Criteria: Invitae Variant Classification Sherloc (09022015). Collection method: clinical testing. Allele origin: germline.
Comment: This sequence change creates a premature translational stop signal (p.Ser611Profs*10) in the CRB1 gene. It is expected to result in an absent or disrupted protein product. Loss-of-function variants in CRB1 are known to be pathogenic (PMID: 10508521, 22065545, 23379534, 25412400, 26957898, 28041643, 29391521). This variant is not present in population databases (ExAC no frequency). This variant has not been reported in the literature in individuals affected with CRB1-related conditions. For these reasons, this variant has been classified as Pathogenic.

Literature cited by the submitters: PubMed 10508521 (cited by Labcorp Genetics (formerly Invitae), Labcorp); PubMed 22065545 (cited by Labcorp Genetics (formerly Invitae), Labcorp); PubMed 23379534 (cited by Labcorp Genetics (formerly Invitae), Labcorp); PubMed 25412400 (cited by Labcorp Genetics (formerly Invitae), Labcorp); PubMed 26957898 (cited by Labcorp Genetics (formerly Invitae), Labcorp); PubMed 28041643 (cited by Labcorp Genetics (formerly Invitae), Labcorp); PubMed 29391521 (cited by Labcorp Genetics (formerly Invitae), Labcorp).